The following is an entry in ClinVar:

NM_182914.3(SYNE2):c.8765T>C (p.Ile2922Thr)

Gene: SYNE2 (spectrin repeat containing nuclear envelope protein 2; plus strand). Cytogenetic location: 14q23.2.
Variant type: single nucleotide variant.
Coding change: c.8765T>C on transcript NM_182914.3 (MANE Select); coding-DNA position 8765, T replaced by C.
Protein change: p.Ile2922Thr; replaces isoleucine 2922 with threonine.
Molecular consequence: missense variant.
Genome position (GRCh38, 1-based): chr14:64,052,678, T>C. VCF-style: chr14-64052678-T-C. GRCh37 (hg19) VCF-style: chr14-64519396-T-C.
Other names: c.8765T>C, p.Ile2922Thr (NM_015180.6); short protein forms I2922T.
Identifiers: ClinVar variation 1390219 (VCV001390219.8), dbSNP rs2097236290, ClinGen allele CA389971037.

ClinVar aggregate classification (germline): Uncertain significance (1 of 4 stars; one submission).

Conditions:
Emery-Dreifuss muscular dystrophy 5, autosomal dominant (EDMD5). Also called: EMERY-DREIFUSS MUSCULAR DYSTROPHY 5. Identifiers: Orphanet 261, MedGen C2751805, MONDO:0013072, OMIM 612999.

Allele frequency attached by ClinVar (database versions not stated): TOPMed below 0.00001.

Submission:

Labcorp Genetics (formerly Invitae), Labcorp
Classification: Uncertain significance for Emery-Dreifuss muscular dystrophy 5, autosomal dominant. Last evaluated: 2021-03-07. Review status: criteria provided, single submitter. Criteria: Invitae Variant Classification Sherloc (09022015). Collection method: clinical testing. Allele origin: germline.
Comment: This sequence change replaces isoleucine with threonine at codon 2922 of the SYNE2 protein (p.Ile2922Thr). The isoleucine residue is weakly conserved and there is a moderate physicochemical difference between isoleucine and threonine. This variant is not present in population databases (ExAC no frequency). In summary, the available evidence is currently insufficient to determine the role of this variant in disease. Therefore, it has been classified as a Variant of Uncertain Significance. Algorithms developed to predict the effect of missense changes on protein structure and function output the following: SIFT: "Tolerated"; PolyPhen-2: "Benign"; Align-GVGD: "Class C0". The threonine amino acid residue is found in multiple mammalian species, suggesting that this missense change does not adversely affect protein function. These predictions have not been confirmed by published functional studies and their clinical significance is uncertain. This variant has not been reported in the literature in individuals with SYNE2-related conditions.